The following is an entry in ClinVar:

ClinVar aggregate classification (germline): Uncertain significance (1 of 4 stars; one submission).

Conditions:
Lymphoproliferative syndrome 2 (LPFS2). Also called: Combined immunodeficiency due to CD27 deficiency; CD27 DEFICIENCY. Identifiers: Orphanet 238505, MedGen C3554540, MONDO:0014054, OMIM 615122.

Allele frequency attached by ClinVar (database versions not stated): TOPMed below 0.00001; gnomAD 0.00001; gnomAD exomes 0.00004 and 0.00006; ExAC 0.00011.

Submission:

Labcorp Genetics (formerly Invitae), Labcorp
Classification: Uncertain significance for Lymphoproliferative syndrome 2. Last evaluated: 2021-08-30. Review status: criteria provided, single submitter. Criteria: Invitae Variant Classification Sherloc (09022015). Collection method: clinical testing. Allele origin: germline.
Comment: This sequence change replaces aspartic acid with glycine at codon 52 of the CD27 protein (p.Asp52Gly). The aspartic acid residue is moderately conserved and there is a moderate physicochemical difference between aspartic acid and glycine. This variant is present in population databases (rs753305875, ExAC 0.02%). This variant has not been reported in the literature in individuals affected with CD27-related conditions. Algorithms developed to predict the effect of missense changes on protein structure and function are either unavailable or do not agree on the potential impact of this missense change (SIFT: "Deleterious"; PolyPhen-2: "Possibly Damaging"; Align-GVGD: "Class C0"). In summary, the available evidence is currently insufficient to determine the role of this variant in disease. Therefore, it has been classified as a Variant of Uncertain Significance.

NM_001242.5(CD27):c.155A>G (p.Asp52Gly)

Genes: CD27 (CD27 molecule; plus strand), CD27-AS1 (CD27 antisense RNA 1; minus strand). Cytogenetic location: 12p13.31.
Variant type: single nucleotide variant.
Coding change: c.155A>G on transcript NM_001242.5 (MANE Select); coding-DNA position 155, A replaced by G.
Protein change: p.Asp52Gly; replaces aspartic acid 52 with glycine.
Molecular consequence: missense variant.
Genome position (GRCh38, 1-based): chr12:6,445,442, A>G. VCF-style: chr12-6445442-A-G. GRCh37 (hg19) VCF-style: chr12-6554608-A-G.
Other names: short protein forms D52G.
Identifiers: ClinVar variation 1444408 (VCV001444408.5), dbSNP rs753305875, ClinGen allele CA6406894.